The following is an entry in ClinVar:

NM_001378418.1(TCF20):c.4264C>G (p.Gln1422Glu)

Gene: TCF20 (transcription factor 20; minus strand). Cytogenetic location: 22q13.2.
Variant type: single nucleotide variant.
Coding change: c.4264C>G on transcript NM_001378418.1 (MANE Select); coding-DNA position 4264, C replaced by G.
Protein change: p.Gln1422Glu; replaces glutamine 1422 with glutamic acid.
Molecular consequence: missense variant.
Genome position (GRCh38, 1-based): chr22:42,211,042, G>C on the plus strand (C>G on the coding strand, the complement: TCF20 is on the minus strand). VCF-style: chr22-42211042-G-C. GRCh37 (hg19) VCF-style: chr22-42607048-G-C.
Other names: c.4264C>G, p.Gln1422Glu (NM_005650.4, NM_181492.3); short protein forms Q1422E.
Identifiers: ClinVar variation 1407088 (VCV001407088.6), dbSNP rs1430108068, ClinGen allele CA411784701.

ClinVar aggregate classification (germline): Uncertain significance (1 of 4 stars; one submission).

Allele frequency attached by ClinVar (database versions not stated): gnomAD exomes below 0.00001; TOPMed below 0.00001; gnomAD 0.00001.
gnomAD v4.1: 6 of 1,613,988 alleles (0.00037%); highest among the groups gnomAD compares: South Asian, 0.0011%; no homozygotes.

Submission:

Labcorp Genetics (formerly Invitae), Labcorp
Classification: Uncertain significance. Last evaluated: 2026-01-01. Review status: criteria provided, single submitter. Criteria: Invitae Variant Classification Sherloc (09022015). Collection method: clinical testing. Allele origin: germline.
Comment: This sequence change replaces glutamine, which is neutral and polar, with glutamic acid, which is acidic and polar, at codon 1422 of the TCF20 protein (p.Gln1422Glu). This variant is present in population databases (no rsID available, gnomAD 0.0009%). This variant has not been reported in the literature in individuals affected with TCF20-related conditions. ClinVar contains an entry for this variant (Variation ID: 1407088). An algorithm developed to predict the effect of missense changes on protein structure and function (PolyPhen-2) suggests that this variant is likely to be tolerated. In summary, the available evidence is currently insufficient to determine the role of this variant in disease. Therefore, it has been classified as a Variant of Uncertain Significance.